The following is an entry in ClinVar:

ClinVar aggregate classification (germline): Likely pathogenic (1 of 4 stars; one submission).

Conditions:
Hereditary cancer-predisposing syndrome. Also called: Neoplastic Syndromes, Hereditary; Tumor predisposition; Hereditary Cancer Syndrome; Hereditary neoplastic syndrome. Identifiers: Orphanet 140162, MedGen C0027672, MeSH D009386, MONDO:0015356.

Submission:

Ambry Genetics
Classification: Likely pathogenic for Hereditary cancer-predisposing syndrome. Last evaluated: 2026-02-04. Review status: criteria provided, single submitter. Criteria: Ambry Variant Classification Scheme 2023. Collection method: clinical testing. Allele origin: germline.
Comment: The p.C196W variant (also known as c.588C>G), located in coding exon 6 of the SDHB gene, results from a C to G substitution at nucleotide position 588. The cysteine at codon 196 is replaced by tryptophan, an amino acid with highly dissimilar properties. Other variant(s) at the same codon, p.C196Y (c.587G>A), have been identified in individual(s) with features consistent with SDHB-related hereditary pheochromocytoma-paraganglioma (Neumann HP et al. N. Engl. J. Med. 2002 May; 346(19):1459-66; Amar L et al. J. Clin. Oncol. 2005 Dec; 23(34):8812-8; Benn DE et al. J. Clin. Endocrinol. Metab. 2006 Mar; 91(3):827-36; Brouwers FM et al. J. Clin. Endocrinol. Metab. 2006 Nov; 91(11):4505-9; Timmers HJ et al. J. Clin. Endocrinol. Metab. 2007 Mar; 92(3):779-86; Amar L et al. J. Clin. Endocrinol. Metab. 2007 Oct; 92(10):3822-8; Burnichon N et al. J. Clin. Endocrinol. Metab. 2009 Aug; 94(8):2817-27; Renella R et al. Fam. Cancer. 2014 Sep;13(3):507-11; Tufton N et al. Endocr. Pathol. 2017 Dec;28(4):320-325). This amino acid position is highly conserved in available vertebrate species. In addition, this alteration is predicted to be deleterious by in silico analysis. This variant is considered to be rare based on population cohorts in the Genome Aggregation Database (gnomAD). Based on the majority of available evidence to date, this variant is likely to be pathogenic.

NM_003000.3(SDHB):c.588C>G (p.Cys196Trp)

Gene: SDHB (succinate dehydrogenase complex iron sulfur subunit B; minus strand). Cytogenetic location: 1p36.13.
Variant type: single nucleotide variant.
Coding change: c.588C>G on transcript NM_003000.3 (MANE Select); coding-DNA position 588, C replaced by G.
Protein change: p.Cys196Trp; replaces cysteine 196 with tryptophan.
Molecular consequence: missense variant.
Genome position (GRCh38, 1-based): chr1:17,024,027, G>C on the plus strand (C>G on the coding strand, the complement: SDHB is on the minus strand). VCF-style: chr1-17024027-G-C. GRCh37 (hg19) VCF-style: chr1-17350522-G-C.
Other names: c.534C>G, p.Cys178Trp (NM_001407361.1); short protein forms C196W, C178W.
Identifiers: ClinVar variation 4844162 (VCV004844162.1).
Genomic context (GRCh38, chr1:17,024,027, plus strand): 5'-CCTCACCTGCATAAGAACTGCAGGCCCCAGATATTTGTCTCCGTTCCACCAGTAGCTGGG[G>C]CAGCTGGTGCTACAGCAGGCACAGAGAATGCACTCGTAGAGCCCGTCCTGTATGGGGAGA-3'
Protein context (NP_002991.2, residues 186-206): CILCACCSTS[Cys196Trp]PSYWWNGDKY